The following is an entry in ClinVar:

NM_020949.3(SLC7A14):c.1102G>A (p.Gly368Arg)

Genes: SLC7A14 (solute carrier family 7 member 14; minus strand), SLC7A14-AS1 (SLC7A14 antisense RNA 1; plus strand). Cytogenetic location: 3q26.2.
Variant type: single nucleotide variant.
Coding change: c.1102G>A on transcript NM_020949.3 (MANE Select); coding-DNA position 1102, G replaced by A.
Protein change: p.Gly368Arg; replaces glycine 368 with arginine.
Molecular consequence: missense variant.
Genome position (GRCh38, 1-based): chr3:170,483,327, C>T on the plus strand (G>A on the coding strand, the complement: SLC7A14 is on the minus strand). VCF-style: chr3-170483327-C-T. GRCh37 (hg19) VCF-style: chr3-170201116-C-T.
Other names: short protein forms G368R.
Identifiers: ClinVar variation 1018162 (VCV001018162.8), dbSNP rs538962915, ClinGen allele CA2701716.
Genomic context (GRCh38, chr3:170,483,327, plus strand): 5'-GACAGACGTGGCAGAGCAGGATAAATTTCATGGAGCATAGCCCTTACCTGAAAAGGAGCC[C>T]GTCACCAGCCATGGCATAAATGACCCTCGGCATCGGGAAGAGGGACCCCAGCAAGCTGAC-3'
Protein context (NP_066000.2, residues 358-378): PRVIYAMAGD[Gly368Arg]LLFRFLAHVS

ClinVar aggregate classification (germline): Uncertain significance. Review status: criteria provided, multiple submitters, no conflicts (2 of 4 stars). 2 submissions from 2 submitters: Uncertain significance (2). Last evaluated 2024-05-06.

Allele frequency attached by ClinVar (database versions not stated): gnomAD 0.00001 and 0.00002; TOPMed 0.00002; 1000 Genomes Project 30x 0.00016; 1000 Genomes Project 0.00020.

Submissions (2):

Labcorp Genetics (formerly Invitae), Labcorp
Classification: Uncertain significance. Last evaluated: 2024-05-06. Review status: criteria provided, single submitter. Criteria: Invitae Variant Classification Sherloc (09022015). Collection method: clinical testing. Allele origin: germline.
Comment: This sequence change replaces glycine, which is neutral and non-polar, with arginine, which is basic and polar, at codon 368 of the SLC7A14 protein (p.Gly368Arg). This variant is present in population databases (rs538962915, gnomAD 0.005%). This variant has not been reported in the literature in individuals affected with SLC7A14-related conditions. ClinVar contains an entry for this variant (Variation ID: 1018162). An algorithm developed to predict the effect of missense changes on protein structure and function (PolyPhen-2) suggests that this variant is likely to be disruptive. In summary, the available evidence is currently insufficient to determine the role of this variant in disease. Therefore, it has been classified as a Variant of Uncertain Significance.

Blueprint Genetics
Classification: Uncertain significance. Last evaluated: 2022-10-11. Review status: criteria provided, single submitter. Criteria: ACMG Guidelines, 2015. Collection method: clinical testing. Allele origin: germline.